The following is an entry in ClinVar:

NM_004444.5(EPHB4):c.2065G>A (p.Val689Ile)

Gene: EPHB4 (EPH receptor B4; minus strand). Cytogenetic location: 7q22.1.
Variant type: single nucleotide variant.
Coding change: c.2065G>A on transcript NM_004444.5 (MANE Select); coding-DNA position 2065, G replaced by A.
Protein change: p.Val689Ile; replaces valine 689 with isoleucine.
Molecular consequence: missense variant.
Genome position (GRCh38, 1-based): chr7:100,812,800, C>T on the plus strand (G>A on the coding strand, the complement: EPHB4 is on the minus strand). VCF-style: chr7-100812800-C-T. GRCh37 (hg19) VCF-style: chr7-100410422-C-T.
Other names: short protein forms V689I.
Identifiers: ClinVar variation 3089679 (VCV003089679.3), dbSNP rs529340542, ClinGen allele CA4392755.

ClinVar aggregate classification (germline): Uncertain significance. Review status: criteria provided, multiple submitters, no conflicts (2 of 4 stars). 2 submissions from 2 submitters: Uncertain significance (2). Last evaluated 2026-05-23.

Conditions:
EPHB4-related disorder. Also called: EPHB4-related condition; EPHB4-related disorders.
Cardiovascular phenotype. Identifiers: MedGen CN230736.

Allele frequency attached by ClinVar (database versions not stated): TOPMed below 0.00001; ExAC 0.00001.

Submissions (2):

Ambry Genetics
Classification: Uncertain significance for Cardiovascular phenotype. Last evaluated: 2026-05-23. Review status: criteria provided, single submitter. Criteria: Ambry Variant Classification Scheme 2023. Collection method: clinical testing. Allele origin: germline.
Comment: The p.V689I variant (also known as c.2065G>A), located in coding exon 12 of the EPHB4 gene, results from a G to A substitution at nucleotide position 2065. The valine at codon 689 is replaced by isoleucine, an amino acid with highly similar properties. This amino acid position is conserved. In addition, this alteration is predicted to be tolerated by in silico analysis. Based on the available evidence, the clinical significance of this variant remains unclear.

PreventionGenetics, part of Exact Sciences
Classification: Uncertain significance for EPHB4-related condition. Last evaluated: 2026-02-26. Review status: criteria provided, single submitter. Criteria: ACMG Guidelines, 2015. Collection method: clinical testing. Allele origin: germline.
Comment: The EPHB4 c.2065G>A variant is predicted to result in the amino acid substitution p.Val689Ile. To our knowledge, this variant has not been reported in the literature. This variant is reported in 0.0029% of alleles in individuals of Latino descent in gnomAD. At this time, the clinical significance of this variant is uncertain due to the absence of conclusive functional and genetic evidence.